The following is an entry in ClinVar:

ClinVar aggregate classification (germline): Uncertain significance (1 of 4 stars; one submission).

Conditions:
Propionic acidemia (PROP). Also called: GLYCINEMIA, KETOTIC; HYPERGLYCINEMIA WITH KETOACIDOSIS AND LEUKOPENIA; KETOTIC HYPERGLYCINEMIA. Identifiers: Orphanet 35, MedGen C0268579, MONDO:0011628, OMIM 606054, HP:0003571.

Submission:

Labcorp Genetics (formerly Invitae), Labcorp
Classification: Uncertain significance for Propionic acidemia. Last evaluated: 2021-10-17. Review status: criteria provided, single submitter. Criteria: Invitae Variant Classification Sherloc (09022015). Collection method: clinical testing. Allele origin: germline.
Comment: This variant is not present in population databases (ExAC no frequency). This variant, c.93_94insTTC, results in the insertion of 1 amino acid(s) to the PCCB protein (p.Gln31_Ala32insPhe), but otherwise preserves the integrity of the reading frame. This variant has not been reported in the literature in individuals affected with PCCB-related conditions. Experimental studies and prediction algorithms are not available or were not evaluated, and the functional significance of this variant is currently unknown. In summary, the available evidence is currently insufficient to determine the role of this variant in disease. Therefore, it has been classified as a Variant of Uncertain Significance.

NM_000532.5(PCCB):c.93_94insTTC (p.Gln31_Ala32insPhe)

Gene: PCCB (propionyl-CoA carboxylase subunit beta; plus strand). Cytogenetic location: 3q22.3.
Variant type: Insertion.
Coding change: c.93_94insTTC on transcript NM_000532.5 (MANE Select); coding-DNA positions 93 to 94, TTC inserted.
Protein change: p.Gln31_Ala32insPhe.
Molecular consequence: inframe insertion.
Genome position: GRCh38 VCF-style: chr3-136250468-G-GTTC. GRCh37 (hg19) VCF-style: chr3-135969310-G-GTTC.
Other names: c.93_94insTTC, p.Gln31_Ala32insPhe (NM_001178014.2).
Identifiers: ClinVar variation 1445770 (VCV001445770.6), dbSNP rs2108127897, ClinGen allele CA2573136596.